The following is an entry in ClinVar:

NM_002739.5(PRKCG):c.1871G>A (p.Arg624Gln)

Gene: PRKCG (protein kinase C gamma; plus strand). Cytogenetic location: 19q13.42.
Variant type: single nucleotide variant.
Coding change: c.1871G>A on transcript NM_002739.5 (MANE Select); coding-DNA position 1871, G replaced by A.
Protein change: p.Arg624Gln; replaces arginine 624 with glutamine.
Molecular consequence: missense variant.
Genome position (GRCh38, 1-based): chr19:53,906,423, G>A. VCF-style: chr19-53906423-G-A. GRCh37 (hg19) VCF-style: chr19-54409677-G-A.
Other names: c.1871G>A, p.Arg624Gln (NM_001316329.2); short protein forms R624Q.
Identifiers: ClinVar variation 759927 (VCV000759927.9), dbSNP rs146367309, ClinGen allele CA9640716.
Genomic context (GRCh38, chr19:53,906,423, plus strand): 5'-GGGAACCTACCATCCGTGCACATGGCTTTTTCCGCTGGATTGACTGGGAGCGGCTGGAAC[G>A]ATTGGAGATCCCGCCTCCTTTCAGACCCCGCCCGGTCAGTCACCCTCCAGGCAACAAAAA-3'
Protein context (NP_002730.1, residues 614-634): FRWIDWERLE[Arg624Gln]LEIPPPFRPR

ClinVar aggregate classification (germline): Conflicting classifications of pathogenicity. Review status: criteria provided, conflicting classifications (1 of 4 stars). 4 submissions from 4 submitters: Uncertain significance (1); Benign (1); Likely benign (2). Last evaluated 2024-11-07.

Conditions:
Inborn genetic diseases. Identifiers: MedGen C0950123, MeSH D030342.

Allele frequency attached by ClinVar (database versions not stated): gnomAD exomes 0.00003 and 0.00007; ExAC 0.00019; TOPMed 0.00033; ESP Exome Variant Server 0.00039.
gnomAD v4.1: 90 of 1,573,570 alleles (0.0057%); highest among the groups gnomAD compares: African/African-American, 0.098%; no homozygotes.

Submissions (4):

Ambry Genetics
Classification: Uncertain significance for Inborn genetic diseases. Last evaluated: 2024-11-07. Review status: criteria provided, single submitter. Criteria: Ambry Variant Classification Scheme 2023. Collection method: clinical testing. Allele origin: germline.

Women's Health and Genetics/Laboratory Corporation of America, LabCorp
Classification: Likely benign. Last evaluated: 2024-08-14. Review status: criteria provided, single submitter. Criteria: LabCorp Variant Classification Summary - May 2015. Collection method: clinical testing. Allele origin: germline.
Comment: Variant summary: PRKCG c.1871G>A (p.Arg624Gln) results in a conservative amino acid change located in the AGC-kinase, C-terminal domain (IPR000961) of the encoded protein sequence. Four of five in-silico tools predict a benign effect of the variant on protein function. The variant allele was found at a frequency of 0.00012 in 218094 control chromosomes, predominantly at a frequency of 0.0012 within the African or African-American subpopulation in the gnomAD database. The observed variant frequency within African or African-American control individuals in the gnomAD database exceeds the estimated maximal expected allele frequency for a pathogenic variant in PRKCG causing Spinocerebellar Ataxia 14 phenotype. To our knowledge, no occurrence of c.1871G>A in individuals affected with Spinocerebellar Ataxia 14 and no experimental evidence demonstrating its impact on protein function have been reported. ClinVar contains an entry for this variant (Variation ID: 759927). Based on the evidence outlined above, the variant was classified as likely benign.

Athena Diagnostics
Classification: Benign. Last evaluated: 2020-03-30. Review status: criteria provided, single submitter. Criteria: Athena Diagnostics Criteria. Collection method: clinical testing. Allele origin: unknown.

Labcorp Genetics (formerly Invitae), Labcorp
Classification: Likely benign. Last evaluated: 2019-12-31. Review status: criteria provided, single submitter. Criteria: Invitae Variant Classification Sherloc (09022015). Collection method: clinical testing. Allele origin: germline.